The following is an entry in ClinVar:

NM_001348716.2(KDM6B):c.1537C>G (p.Arg513Gly)

Gene: KDM6B (lysine demethylase 6B; plus strand). Cytogenetic location: 17p13.1.
Variant type: single nucleotide variant.
Coding change: c.1537C>G on transcript NM_001348716.2 (MANE Select); coding-DNA position 1537, C replaced by G.
Protein change: p.Arg513Gly; replaces arginine 513 with glycine.
Molecular consequence: missense variant.
Genome position (GRCh38, 1-based): chr17:7,847,825, C>G. VCF-style: chr17-7847825-C-G. GRCh37 (hg19) VCF-style: chr17-7751143-C-G.
Other names: c.1537C>G, p.Arg513Gly (NM_001080424.2); c.1537C>G (NM_001080424.1); short protein forms R513G.
Identifiers: ClinVar variation 1404677 (VCV001404677.5), dbSNP rs747967832, ClinGen allele CA8360680.
Genomic context (GRCh38, chr17:7,847,825, plus strand): 5'-GCAGCCCGAGAGGATGGAGAGATCTTAGAAGAGCTCTTCTTTGGGACTGAGGGACCCCCC[C>G]GCCCTGCCCCACCACCCCTCCCCCATCGCGAGGGCTTCTTGGGGCCTCCGGCCTCCCGCT-3'
Protein context (NP_001335645.1, residues 503-523): ELFFGTEGPP[Arg513Gly]PAPPPLPHRE

ClinVar aggregate classification (germline): Conflicting classifications of pathogenicity. Review status: criteria provided, conflicting classifications (1 of 4 stars). 2 submissions from 2 submitters: Uncertain significance (1); Likely benign (1). Last evaluated 2025-01-21.

Conditions:
Inborn genetic diseases. Identifiers: MedGen C0950123, MeSH D030342.

Submissions (2):

Ambry Genetics
Classification: Likely benign for Inborn genetic diseases. Last evaluated: 2025-01-21. Review status: criteria provided, single submitter. Criteria: Ambry Variant Classification Scheme 2023. Collection method: clinical testing. Allele origin: germline.

Labcorp Genetics (formerly Invitae), Labcorp
Classification: Uncertain significance. Last evaluated: 2022-05-11. Review status: criteria provided, single submitter. Criteria: Invitae Variant Classification Sherloc (09022015). Collection method: clinical testing. Allele origin: germline.
Comment: This sequence change replaces arginine, which is basic and polar, with glycine, which is neutral and non-polar, at codon 513 of the KDM6B protein (p.Arg513Gly). This variant is present in population databases (rs747967832, gnomAD 0.01%). This variant has not been reported in the literature in individuals affected with KDM6B-related conditions. Algorithms developed to predict the effect of missense changes on protein structure and function are either unavailable or do not agree on the potential impact of this missense change (SIFT: "Deleterious"; PolyPhen-2: "Not Available"; Align-GVGD: "Class C15"). In summary, the available evidence is currently insufficient to determine the role of this variant in disease. Therefore, it has been classified as a Variant of Uncertain Significance.